The following is an entry in ClinVar:

ClinVar aggregate classification (germline): Pathogenic (1 of 4 stars; one submission).

Conditions:
LAMA2-related muscular dystrophy (LAMA2-RD). Also called: Laminin alpha 2-related dystrophy. Identifiers: MedGen C5679788, MONDO:0100228.

Submission:

Labcorp Genetics (formerly Invitae), Labcorp
Classification: Pathogenic for LAMA2-related muscular dystrophy. Last evaluated: 2023-05-20. Review status: criteria provided, single submitter. Criteria: Invitae Variant Classification Sherloc (09022015). Collection method: clinical testing. Allele origin: unknown.
Comment: This variant is a gross deletion of the genomic region encompassing exon(s) 52-65 of the LAMA2 gene, which includes the termination codon. This deletion extends beyond the assayed region for this gene and therefore may encompass additional genes. While this deletion is not anticipated to lead to nonsense mediated decay, it is expected to alter mRNA translation or result in a truncated protein product. This variant has not been reported in the literature in individuals affected with LAMA2-related conditions. This variant disrupts a region of the LAMA2 protein in which other variant(s) (p.Thr3080Asnfs*26) have been determined to be pathogenic (PMID: 20207543). This suggests that this is a clinically significant region of the protein, and that variants that disrupt it are likely to be disease-causing. For these reasons, this variant has been classified as Pathogenic.

Literature cited by the submitters: PubMed 20207543.

NC_000006.11:g.(?_129794339)_(129837492_?)del

Gene: LAMA2 (laminin subunit alpha 2; plus strand). Cytogenetic location: 6q22.33.
Variant type: Deletion.
Identifiers: ClinVar variation 3246061 (VCV003246061.1).